The following is an entry in ClinVar:

NM_003327.4(TNFRSF4):c.351C>G (p.Asp117Glu)

Gene: TNFRSF4 (TNF receptor superfamily member 4; minus strand). Cytogenetic location: 1p36.33.
Variant type: single nucleotide variant.
Coding change: c.351C>G on transcript NM_003327.4 (MANE Select); coding-DNA position 351, C replaced by G.
Protein change: p.Asp117Glu; replaces aspartic acid 117 with glutamic acid.
Molecular consequence: missense variant.
Genome position (GRCh38, 1-based): chr1:1,213,011, G>C on the plus strand (C>G on the coding strand, the complement: TNFRSF4 is on the minus strand). VCF-style: chr1-1213011-G-C. GRCh37 (hg19) VCF-style: chr1-1148391-G-C.
Other names: c.351C>G, p.Asp117Glu (NM_001410709.1); short protein forms D117E.
Identifiers: ClinVar variation 3684696 (VCV003684696.2).

ClinVar aggregate classification (germline): Uncertain significance (1 of 4 stars; one submission).

Conditions:
Combined immunodeficiency due to OX40 deficiency. Also called: OX40 DEFICIENCY; Immunodeficiency 16. Identifiers: Orphanet 431149, MedGen C3810053, MONDO:0014268, OMIM 615593.

gnomAD v4.1: 1 of 1,611,632 alleles (0.000062%); highest among the groups gnomAD compares: Non-Finnish European, 0.000085%; no homozygotes.

Submission:

Labcorp Genetics (formerly Invitae), Labcorp
Classification: Uncertain significance for Combined immunodeficiency due to OX40 deficiency. Last evaluated: 2024-06-25. Review status: criteria provided, single submitter. Criteria: Invitae Variant Classification Sherloc (09022015). Collection method: clinical testing. Allele origin: germline.
Comment: This sequence change replaces aspartic acid, which is acidic and polar, with glutamic acid, which is acidic and polar, at codon 117 of the TNFRSF4 protein (p.Asp117Glu). This variant is present in population databases (no rsID available, gnomAD 0.001%). This variant has not been reported in the literature in individuals affected with TNFRSF4-related conditions. Advanced modeling of protein sequence and biophysical properties (such as structural, functional, and spatial information, amino acid conservation, physicochemical variation, residue mobility, and thermodynamic stability) performed at Invitae indicates that this missense variant is not expected to disrupt TNFRSF4 protein function with a negative predictive value of 80%. In summary, the available evidence is currently insufficient to determine the role of this variant in disease. Therefore, it has been classified as a Variant of Uncertain Significance.